The following is an entry in ClinVar:

ClinVar aggregate classification (germline): Likely benign (1 of 4 stars; one submission).

Allele frequency attached by ClinVar (database versions not stated): gnomAD exomes below 0.00001.
gnomAD v4.1: 1 of 1,614,218 alleles (0.000062%); highest among the groups gnomAD compares: East Asian, 0.0022%; no homozygotes.

Submission:

GeneDx
Classification: Likely benign. Last evaluated: 2017-04-05. Review status: criteria provided, single submitter. Criteria: GeneDx Variant Classification (06012015). Collection method: clinical testing. Allele origin: germline. Affected: yes.
Comment: This variant is considered likely benign or benign based on one or more of the following criteria: it is a conservative change, it occurs at a poorly conserved position in the protein, it is predicted to be benign by multiple in silico algorithms, and/or has population frequency not consistent with disease.

NM_014000.3(VCL):c.2435-3T>C

Gene: VCL (vinculin; plus strand). Cytogenetic location: 10q22.2.
Variant type: single nucleotide variant.
Coding change: c.2435-3T>C on transcript NM_014000.3 (MANE Select); 3 bases into the intron before coding-DNA position 2435, T replaced by C.
Molecular consequence: intron variant.
Genome position (GRCh38, 1-based): chr10:74,107,227, T>C. VCF-style: chr10-74107227-T-C. GRCh37 (hg19) VCF-style: chr10-75866985-T-C.
Other names: c.2435-3T>C (NM_003373.4).
Identifiers: ClinVar variation 508737 (VCV000508737.1), dbSNP rs1554819048, ClinGen allele CA658797445.